The following is an entry in ClinVar:

ClinVar aggregate classification (germline): Likely benign. Review status: criteria provided, multiple submitters, no conflicts (2 of 4 stars). 2 submissions from 2 submitters: Likely benign (2). Last evaluated 2025-12-31.

Conditions:
Dilated cardiomyopathy 1G (CMD1G). Identifiers: Orphanet 154, MedGen C1858763, MONDO:0011400, OMIM 604145.
Autosomal recessive limb-girdle muscular dystrophy type 2J (LGMDR10). Also called: MUSCULAR DYSTROPHY, LIMB-GIRDLE, AUTOSOMAL RECESSIVE 10; Limb-girdle muscular dystrophy, type 2J. Identifiers: Orphanet 140922, MedGen C1837342, MONDO:0012127, OMIM 608807.

Allele frequency attached by ClinVar (database versions not stated): gnomAD exomes 0.00002 and 0.00003; ExAC 0.00004; gnomAD 0.00013 and 0.00015; TOPMed 0.00014; ESP Exome Variant Server 0.00017.
gnomAD v4.1: 42 of 1,589,412 alleles (0.0026%); highest among the groups gnomAD compares: African/African-American, 0.053%; no homozygotes.

Submissions (2):

Labcorp Genetics (formerly Invitae), Labcorp
Classification: Likely benign for Dilated cardiomyopathy 1G; Autosomal recessive limb-girdle muscular dystrophy type 2J. Last evaluated: 2025-12-31. Review status: criteria provided, single submitter. Criteria: Invitae Variant Classification Sherloc (09022015). Collection method: clinical testing. Allele origin: germline.

GeneDx
Classification: Likely benign. Last evaluated: 2018-03-07. Review status: criteria provided, single submitter. Criteria: GeneDx Variant Classification (06012015). Collection method: clinical testing. Allele origin: germline. Affected: yes.
Comment: This variant is considered likely benign or benign based on one or more of the following criteria: it is a conservative change, it occurs at a poorly conserved position in the protein, it is predicted to be benign by multiple in silico algorithms, and/or has population frequency not consistent with disease.

NM_001267550.2(TTN):c.19148-13A>G

Gene: TTN (titin; minus strand). Cytogenetic location: 2q31.2.
Variant type: single nucleotide variant.
Coding change: c.19148-13A>G on transcript NM_001267550.2 (MANE Select); 13 bases into the intron before coding-DNA position 19148, A replaced by G.
Molecular consequence: intron variant.
Genome position (GRCh38, 1-based): chr2:178,728,791, T>C on the plus strand (A>G on the coding strand, the complement: TTN is on the minus strand). VCF-style: chr2-178728791-T-C. GRCh37 (hg19) VCF-style: chr2-179593518-T-C.
Other names: c.13657+9291A>G (NM_133432.3); c.15416-13A>G (NM_133378.4); c.18197-13A>G (NM_001256850.1); c.13282+9291A>G (NM_003319.4); c.13858+9291A>G (NM_133437.4).
Identifiers: ClinVar variation 676408 (VCV000676408.9), dbSNP rs376143407, ClinGen allele CA2001451.
Genomic context (GRCh38, chr2:178,728,791, plus strand): 5'-TCTCCGTAACATCAACTGATTTAGCTTTCTCTACGATTTGAGCTGGTTCTGTAGTAAAAA[T>C]GAAAATGTGGATGAGTTACATTGGTAACTCCACTAGAAATAATGTCTGCTAATGAAACTG-3'